The following is an entry in ClinVar:

ClinVar aggregate classification (germline): Pathogenic. Review status: criteria provided, multiple submitters, no conflicts (2 of 4 stars). 3 submissions from 3 submitters: Pathogenic (3). Last evaluated 2024-05-20.

Conditions:
Corneal dystrophy, Fuchs endothelial, 4 (FECD4). Identifiers: Orphanet 98974, MedGen C2750450, MONDO:0013204, OMIM 613268.
Corneal dystrophy-perceptive deafness syndrome (CDPD). Also called: CORNEAL DYSTROPHY AND SENSORINEURAL DEAFNESS; HARBOYAN SYNDROME. Identifiers: Orphanet 1490, MedGen C1857572, MONDO:0009015, OMIM 217400.
Congenital hereditary endothelial dystrophy of cornea. Also called: CORNEAL DYSTROPHY, CONGENITAL HEREDITARY ENDOTHELIAL; Congenital hereditary endothelial dystrophy type II; Congenital hereditary endothelial dystrophy of the cornea; Maumenee corneal dystrophy; Corneal endothelial dystrophy, autosomal recessive. Identifiers: Orphanet 293603, MedGen C1857569, MONDO:0009019, OMIM 217700.

Allele frequency attached by ClinVar (database versions not stated): gnomAD exomes below 0.00001; TOPMed below 0.00001; gnomAD 0.00001.
gnomAD v4.1: 3 of 1,613,872 alleles (0.00019%); highest among the groups gnomAD compares: Admixed American, 0.0017%; no homozygotes.

Submissions (3):

Fulgent Genetics
Classification: Pathogenic for Corneal dystrophy-perceptive deafness syndrome; Congenital hereditary endothelial dystrophy of cornea; Corneal dystrophy, Fuchs endothelial, 4. Last evaluated: 2024-05-20. Review status: criteria provided, single submitter. Criteria: ACMG Guidelines, 2015. Collection method: clinical testing. Allele origin: germline.

Women's Health and Genetics/Laboratory Corporation of America, LabCorp
Classification: Pathogenic for Corneal dystrophy-perceptive deafness syndrome. Last evaluated: 2024-05-07. Review status: criteria provided, single submitter. Criteria: LabCorp Variant Classification Summary - May 2015. Collection method: clinical testing. Allele origin: germline.
Comment: Variant summary: SLC4A11 c.812C>T (p.Thr271Met) results in a non-conservative amino acid change in the encoded protein sequence. Five of five in-silico tools predict a damaging effect of the variant on protein function. The variant allele was found at a frequency of 4e-06 in 251396 control chromosomes. c.812C>T has been reported in the literature to segregate in the homozygous state in a large family affected with Corneal Dystrophy (Shah_2008). These data indicate that the variant is very likely to be associated with disease. The following publications have been ascertained in the context of this evaluation (PMID: 29327391, 18363173). ClinVar contains an entry for this variant (Variation ID: 855644). Based on the evidence outlined above, the variant was classified as pathogenic.

Labcorp Genetics (formerly Invitae), Labcorp
Classification: Pathogenic. Last evaluated: 2021-07-02. Review status: criteria provided, single submitter. Criteria: Invitae Variant Classification Sherloc (09022015). Collection method: clinical testing. Allele origin: germline.
Comment: This variant has been observed to segregate with congenital hereditary endothelial dystrophy in a family (PMID: 18363173). This sequence change replaces threonine with methionine at codon 271 of the SLC4A11 protein (p.Thr271Met). The threonine residue is highly conserved and there is a moderate physicochemical difference between threonine and methionine. This variant is not present in population databases (ExAC no frequency). This variant has been reported to affect SLC4A11 protein function (PMID:29327391). For these reasons, this variant has been classified as Pathogenic.

Literature cited by the submitters: PubMed 29327391 (cited by Women's Health and Genetics/Laboratory Corporation of America, LabCorp and Labcorp Genetics (formerly Invitae), Labcorp); PubMed 18363173 (cited by Women's Health and Genetics/Laboratory Corporation of America, LabCorp and Labcorp Genetics (formerly Invitae), Labcorp).

NM_001174089.2(SLC4A11):c.764C>T (p.Thr255Met)

Gene: SLC4A11 (solute carrier family 4 member 11; minus strand). Cytogenetic location: 20p13.
Variant type: single nucleotide variant.
Coding change: c.764C>T on transcript NM_001174089.2 (MANE Select); coding-DNA position 764, C replaced by T.
Protein change: p.Thr255Met; replaces threonine 255 with methionine.
Molecular consequence: missense variant. On other transcripts: non-coding transcript variant (1).
Genome position (GRCh38, 1-based): chr20:3,231,514, G>A on the plus strand (C>T on the coding strand, the complement: SLC4A11 is on the minus strand). VCF-style: chr20-3231514-G-A. GRCh37 (hg19) VCF-style: chr20-3212160-G-A.
Other names: c.893C>T, p.Thr298Met (NM_001174090.2); c.764C>T, p.Thr255Met (NM_001363745.2); c.812C>T, p.Thr271Met (NM_032034.4); short protein forms T255M, T298M, T271M.
Identifiers: ClinVar variation 855644 (VCV000855644.11), dbSNP rs1191074716, ClinGen allele CA408091371.
Genomic context (GRCh38, chr20:3,231,514, plus strand): 5'-TCTGTGCGGGTCTCCAGGAGCTTCTGGCGGAAGGCGATATCCGAGAACATGGTGGCAAAC[G>A]TGCGCGCCACCTCCATCGCAGTCTTAGTGCTTTTCTAGGGGTGGAGGATGGGAGTCACCC-3'
Protein context (NP_001167560.1, residues 245-265): STKTAMEVAR[Thr255Met]FATMFSDIAF